The following is an entry in ClinVar:

ClinVar aggregate classification (germline): Pathogenic (1 of 4 stars; one submission).

Conditions:
X-linked severe combined immunodeficiency (SCIDX1). Also called: X-Linked Combined Immunodeficiency Diseases; IMMUNODEFICIENCY 4; SCID, X-LINKED; SEVERE COMBINED IMMUNODEFICIENCY, X-LINKED, T CELL-NEGATIVE, B CELL-POSITIVE, NK CELL-NEGATIVE; T-B+ severe combined immunodeficiency due to gamma chain deficiency. Identifiers: Orphanet 276, MedGen C6022468, MONDO:0010315, OMIM 300400. Disease mechanism: loss of function.

Submission:

Labcorp Genetics (formerly Invitae), Labcorp
Classification: Pathogenic for X-linked severe combined immunodeficiency. Last evaluated: 2020-02-21. Review status: criteria provided, single submitter. Criteria: Invitae Variant Classification Sherloc (09022015). Collection method: clinical testing. Allele origin: germline.
Comment: This sequence change creates a premature translational stop signal (p.Gln144*) in the IL2RG gene. It is expected to result in an absent or disrupted protein product. This variant is not present in population databases (ExAC no frequency). This variant has not been reported in the literature in individuals with IL2RG-related disease. Loss-of-function variants in IL2RG are known to be pathogenic (PMID: 9058718, 10794430). For these reasons, this variant has been classified as Pathogenic.

Literature cited by the submitters: PubMed 9058718; PubMed 10794430.

NM_000206.3(IL2RG):c.430C>T (p.Gln144Ter)

Gene: IL2RG (interleukin 2 receptor subunit gamma; minus strand). Cytogenetic location: Xq13.1.
Variant type: single nucleotide variant.
Coding change: c.430C>T on transcript NM_000206.3 (MANE Select); coding-DNA position 430, C replaced by T.
Protein change: p.Gln144Ter; replaces glutamine 144 with a stop codon.
Molecular consequence: nonsense.
Genome position (GRCh38, 1-based): chrX:71,110,528, G>A on the plus strand (C>T on the coding strand, the complement: IL2RG is on the minus strand). VCF-style: chrX-71110528-G-A. GRCh37 (hg19) VCF-style: chrX-70330378-G-A.
Other names: short protein forms Q144*.
Identifiers: ClinVar variation 649486 (VCV000649486.8), dbSNP rs1602289411, ClinGen allele CA413496574.
Genomic context (GRCh38, chrX:71,110,528, plus strand): 5'-TATCCCTGGTCTCTTGACCCTTTCTTTCCAAATTACCCAGATTCTGCAGTTTTAGCATCT[G>A]TGTGGCCTGTCTCCTGGGTTCCCGTGGGTCCTGGAGCTGAACAACAAATGTTTGGTAGAG-3'